The following is an entry in ClinVar:

ClinVar aggregate classification (germline): Uncertain significance (1 of 4 stars; one submission).

gnomAD v4.1: 4 of 1,612,600 alleles (0.00025%); highest among the groups gnomAD compares: Non-Finnish European, 0.00034%; no homozygotes.

Submission:

GeneDx
Classification: Uncertain significance. Last evaluated: 2025-07-22. Review status: criteria provided, single submitter. Criteria: GeneDx Variant Classification Process June 2021. Collection method: clinical testing. Allele origin: germline. Affected: yes.
Comment: Not observed at significant frequency in large population cohorts (gnomAD); In silico analysis supports that this missense variant has a deleterious effect on protein structure/function; Has not been previously published as pathogenic or benign to our knowledge

NM_001394998.1(TANC2):c.733A>C (p.Thr245Pro)

Gene: TANC2 (tetratricopeptide repeat, ankyrin repeat and coiled-coil containing 2; plus strand). Cytogenetic location: 17q23.3.
Variant type: single nucleotide variant.
Coding change: c.733A>C on transcript NM_001394998.1 (MANE Select); coding-DNA position 733, A replaced by C.
Protein change: p.Thr245Pro; replaces threonine 245 with proline.
Molecular consequence: missense variant.
Genome position (GRCh38, 1-based): chr17:63,200,921, A>C. VCF-style: chr17-63200921-A-C. GRCh37 (hg19) VCF-style: chr17-61278282-A-C.
Other names: c.511A>C, p.Thr171Pro (NM_001411076.1, NM_025185.4); short protein forms T171P, T245P.
Identifiers: ClinVar variation 4686859 (VCV004686859.1).
Genomic context (GRCh38, chr17:63,200,921, plus strand): 5'-CCACCCATCAGTACAAATGCAACTGCCAAGGACTGCAGCTATGGGGCTGTTACTAGTCCA[A>C]CCTCTACCCTTGAAAGCAGAGATAGTGGCATCATTGGTGAGTTGGTTTTTATATTGATAA-3'
Protein context (NP_001381927.1, residues 235-255): DCSYGAVTSP[Thr245Pro]STLESRDSGI